The following is an entry in ClinVar:

ClinVar aggregate classification (germline): Benign/Likely benign. Review status: criteria provided, multiple submitters, no conflicts (2 of 4 stars). 9 submissions from 9 submitters: Benign (6); Likely benign (2). 1 of the submissions does not count toward it. Last evaluated 2026-02-02.

Conditions:
Neonatal pseudo-hydrocephalic progeroid syndrome. Also called: Wiedemann-Rautenstrauch syndrome. Identifiers: Orphanet 3455, MedGen C0406586, MONDO:0009910, OMIM 264090.
Leukodystrophy, hypomyelinating, 7, with or without oligodontia and/or hypogonadotropic hypogonadism (HLD7). Also called: LEUKODYSTROPHY, HYPOMYELINATING, 7, WITH OLIGODONTIA; LEUKODYSTROPHY, HYPOMYELINATING, 7, WITH OLIGODONTIA AND HYPOGONADOTROPIC HYPOGONADISM; LEUKODYSTROPHY, HYPOMYELINATING, 7, WITHOUT OLIGODONTIA OR HYPOGONADOTROPIC HYPOGONADISM; LEUKOENCEPHALOPATHY, HYPOMYELINATING, WITH ATAXIA AND DELAYED DENTITION; ATAXIA, DELAYED DENTITION, AND HYPOMYELINATION; Ataxia, Delayed Dentition and Hypomyelination (ADDH). Identifiers: Orphanet 137639, Orphanet 447893, Orphanet 447896, Orphanet 77295, Orphanet 88637, MedGen CN034185, MONDO:0011897, OMIM 607694.

Allele frequency attached by ClinVar (database versions not stated): 1000 Genomes Project 30x 0.00328; 1000 Genomes Project 0.00339; TOPMed 0.00972; ESP Exome Variant Server 0.01176.
gnomAD v4.1: 23,032 of 1,614,044 alleles (1.4%); highest among the groups gnomAD compares: Non-Finnish European, 1.8%; 190 homozygotes.

Submissions (9):

Labcorp Genetics (formerly Invitae), Labcorp
Classification: Benign. Last evaluated: 2026-02-02. Review status: criteria provided, single submitter. Criteria: Invitae Variant Classification Sherloc (09022015). Collection method: clinical testing. Allele origin: germline.

Blueprint Genetics
Classification: Likely benign. Last evaluated: 2024-11-27. Review status: criteria provided, single submitter. Criteria: ACMG Guidelines, 2015. Collection method: clinical testing. Allele origin: germline.

CeGaT Center for Human Genetics Tuebingen
Classification: Benign. Last evaluated: 2024-08-01. Review status: criteria provided, single submitter. Criteria: CeGaT Center For Human Genetics Tuebingen Variant Classification Criteria Version 2. Collection method: clinical testing. Allele origin: germline. Affected: yes. Observed: 53 variant alleles.
Comment: POLR3A: PM5, BP4, BS1, BS2

Mayo Clinic Laboratories, Mayo Clinic
Classification: Benign. Last evaluated: 2023-08-25. Review status: criteria provided, single submitter. Criteria: ACMG Guidelines, 2015. Collection method: clinical testing. Allele origin: germline. Observed: 14 variant alleles.
Comment: BS1, BS2, BP4

Fulgent Genetics
Classification: Likely benign for Neonatal pseudo-hydrocephalic progeroid syndrome; Leukodystrophy, hypomyelinating, 7, with or without oligodontia and/or hypogonadotropic hypogonadism. Last evaluated: 2021-12-17. Review status: criteria provided, single submitter. Criteria: ACMG Guidelines, 2015. Collection method: clinical testing. Allele origin: unknown.

GeneDx
Classification: Benign. Last evaluated: 2021-05-10. Review status: criteria provided, single submitter. Criteria: GeneDx Variant Classification Process June 2021. Collection method: clinical testing. Allele origin: germline. Affected: yes.

Illumina Laboratory Services, Illumina
Classification: Benign for Leukodystrophy, hypomyelinating, 7, with or without oligodontia and/or hypogonadotropic hypogonadism. Last evaluated: 2017-04-27. Review status: criteria provided, single submitter. Criteria: ICSL Variant Classification Criteria 13 December 2019. Collection method: clinical testing. Allele origin: germline.
Comment: This variant was observed as part of a predisposition screen in an ostensibly healthy population. A literature search was performed for the gene, cDNA change, and amino acid change (where applicable). No publications were found based on this search. Allele frequency data from public databases was too high to be consistent with this variant causing disease. Therefore, this variant is classified as benign.

Breakthrough Genomics
Classification: Benign. Review status: criteria provided, single submitter. Criteria: ACMG Guidelines, 2015. Collection method: not provided. Allele origin: germline. Inheritance: Autosomal recessive inheritance. Affected: yes.

Genetic Services Laboratory, University of Chicago
Classification: Likely benign for AllHighlyPenetrant. Review status: no assertion criteria provided. Collection method: clinical testing. Allele origin: germline. Not counted in ClinVar's aggregate classification.
Comment: Likely benign based on allele frequency in 1000 Genomes Project or ESP global frequency and its presence in a patient with a rare or unrelated disease phenotype. NOT Sanger confirmed.

NM_007055.4(POLR3A):c.1745G>T (p.Arg582Leu)

Gene: POLR3A (RNA polymerase III subunit A; minus strand). Cytogenetic location: 10q22.3.
Variant type: single nucleotide variant.
Coding change: c.1745G>T on transcript NM_007055.4 (MANE Select); coding-DNA position 1745, G replaced by T.
Protein change: p.Arg582Leu; replaces arginine 582 with leucine.
Molecular consequence: missense variant.
Genome position (GRCh38, 1-based): chr10:78,009,889, C>A on the plus strand (G>T on the coding strand, the complement: POLR3A is on the minus strand). VCF-style: chr10-78009889-C-A. GRCh37 (hg19) VCF-style: chr10-79769647-C-A.
Other names: short protein forms R582L.
Identifiers: ClinVar variation 130000 (VCV000130000.56), dbSNP rs34588967, ClinGen allele CA154732.
Genomic context (GRCh38, chr10:78,009,889, plus strand): 5'-ACACCTGTGCACCAACACACAACTCCCACACACACCTTTAGGATTGTAGGCGGTGGGAGG[C>A]GAACTTTAATTTTCTCATCCTTGCCAACCAGTATTGAAGCAATGATTTGGCAAGCCTTGG-3'
Protein context (NP_008986.2, residues 572-592): LVGKDEKIKV[Arg582Leu]LPPPTILKPV